The following is an entry in ClinVar:

ClinVar aggregate classification (germline): Pathogenic. Review status: criteria provided, multiple submitters, no conflicts (2 of 4 stars). 5 submissions from 5 submitters: Pathogenic (4). 1 of the submissions does not count toward it. Last evaluated 2025-02-12.

Conditions:
Charcot-Marie-Tooth disease type 2. Also called: Charcot-Marie-Tooth type 2. Identifiers: Orphanet 64746, MedGen C0270914, MONDO:0018993.
Cardiovascular phenotype. Identifiers: MedGen CN230736.
Primary dilated cardiomyopathy (DCM). Also called: Dilated Cardiomyopathy. Identifiers: Orphanet 217604, MedGen C0007193, MeSH D002311, MONDO:0005021, HP:0001644. Inheritance: Various modes of inheritance.

Submissions (5):

Ambry Genetics
Classification: Pathogenic for Cardiovascular phenotype. Last evaluated: 2025-02-12. Review status: criteria provided, single submitter. Criteria: Ambry Variant Classification Scheme 2023. Collection method: clinical testing. Allele origin: germline.
Comment: The c.348dupG pathogenic mutation, located in coding exon 1 of the LMNA gene, results from a duplication of G at nucleotide position 348, causing a translational frameshift with a predicted alternate stop codon (p.K117Efs*10). This variant was identified in one or more individuals with features consistent with dilated cardiomyopathy, arrhythmia and cardiac conduction disease, and segregated with disease in at least one family (Pan H et al. Heart Rhythm, 2009 May;6:707-10; Lakdawala NK et al. J Card Fail, 2012 Apr;18:296-303). This variant is considered to be rare based on population cohorts in the Genome Aggregation Database (gnomAD). This alteration is expected to result in loss of function by premature protein truncation or nonsense-mediated mRNA decay. As such, this alteration is interpreted as a disease-causing mutation.

Laboratory for Molecular Medicine, Mass General Brigham Personalized Medicine
Classification: Pathogenic for Primary dilated cardiomyopathy. Last evaluated: 2020-02-11. Review status: criteria provided, single submitter. Criteria: LMM Criteria. Collection method: clinical testing. Allele origin: germline. Inheritance: Autosomal dominant inheritance. Observed: 13 variant alleles.
Comment: The p.Lys117GlufsX10 variant has been previously reported in 1 Chinese family with DCM, AV block, and atrial fibrillation (Pan 2009). The variant segregated with disease in 12 affected individuals (including 5 obligate carriers; Pan 2009). It has also been reported in ClinVar (Variation ID 48061), but was absent from large population studies. This variant is predicted to cause a frameshift, which alters the proteinâ€™s amino acid sequence beginning at position 117 and leads to a premature termination codon 10 amino acids downstream. This alteration is then predicted to lead to a truncated or absent protein. In vitro functional studies support that the p.Lys117GlufsX10 variant leads to reduced mRNA and protein levels (Pan 2009). Loss of function of the LMNA gene is an established disease mechanism in autosomal dominant DCM. In summary, this variant meets criteria to be classified as pathogenic for autosomal dominant DCM. ACMG/AMP criteria applied: PVS1, PP1_Strong, PM2, PS3_Supporting.

Labcorp Genetics (formerly Invitae), Labcorp
Classification: Pathogenic for Charcot-Marie-Tooth disease type 2. Last evaluated: 2019-05-09. Review status: criteria provided, single submitter. Criteria: Invitae Variant Classification Sherloc (09022015). Collection method: clinical testing. Allele origin: germline.
Comment: This variant has been reported to segregate with LMNA-related disease in a family and has been reported in an individual affected with dilated cardiomyopathy (PMID: 19328042, 22464770). This variant is also known as 0348_349insG, K117fs in the literature. ClinVar contains an entry for this variant (Variation ID: 48061). For these reasons, this variant has been classified as Pathogenic. Loss-of-function variants in LMNA are known to be pathogenic (PMID: 18585512, 18926329). This variant is not present in population databases (ExAC no frequency). This sequence change creates a premature translational stop signal (p.Lys117Glufs*10) in the LMNA gene. It is expected to result in an absent or disrupted protein product.

Stanford Center for Inherited Cardiovascular Disease, Stanford University
Classification: Pathogenic. Last evaluated: 2012-08-22. Review status: criteria provided, single submitter. Criteria: ACMG Guidelines, 2015. Collection method: provider interpretation. Allele origin: germline.

Epithelial Biology;  Institute of Medical Biology, Singapore
No classification provided. Review status: no classification provided. Collection method: not provided. Allele origin: not provided. Not counted in ClinVar's aggregate classification.

Literature cited by the submitters: PubMed 19328042 (cited by 3 submitters); PubMed 22464770 (cited by Ambry Genetics and Labcorp Genetics (formerly Invitae), Labcorp); PubMed 18585512 (cited by Labcorp Genetics (formerly Invitae), Labcorp); PubMed 18926329 (cited by Labcorp Genetics (formerly Invitae), Labcorp).

NM_170707.4(LMNA):c.348dup (p.Lys117fs)

Gene: LMNA (lamin A/C; plus strand). Cytogenetic location: 1q22.
Variant type: Duplication.
Coding change: c.348dup on transcript NM_170707.4 (MANE Select); coding-DNA position 348, one base duplicated (G; older notation c.348dupG).
Protein change: p.Lys117fs; shifts the reading frame from lysine 117.
Molecular consequence: frameshift variant.
Genome position (GRCh38, 1-based): chr1:156,115,266, G duplicated. VCF-style (leftmost placement, unchanged base first): chr1-156115265-T-TG. GRCh37 (hg19) VCF-style: chr1-156085056-T-TG.
Other names: c.348dupG (NM_170707.3, NM_170707.2); c.348dup, p.Lys117fs (NM_001282625.2, NM_001282626.2, NM_005572.4 and 1 more transcripts); short protein forms K117fs.
Identifiers: ClinVar variation 48061 (VCV000048061.19), dbSNP rs267607646, ClinGen allele CA017938.